The following is an entry in ClinVar:

ClinVar aggregate classification (germline): Likely benign. Review status: criteria provided, multiple submitters, no conflicts (2 of 4 stars). 3 submissions from 3 submitters: Likely benign (3). Last evaluated 2025-08-08.

Conditions:
COL4A1-related disorder. Also called: COL4A1-related disorders; COL4A1-related condition. Identifiers: MedGen CN376119, MONDO:0800461.

Allele frequency attached by ClinVar (database versions not stated): gnomAD 0.00001.
gnomAD v4.1: 18 of 1,613,938 alleles (0.0011%); highest among the groups gnomAD compares: Middle Eastern, 0.016%; no homozygotes.

Submissions (3):

Labcorp Genetics (formerly Invitae), Labcorp
Classification: Likely benign. Last evaluated: 2025-08-08. Review status: criteria provided, single submitter. Criteria: Invitae Variant Classification Sherloc (09022015). Collection method: clinical testing. Allele origin: germline.

PreventionGenetics, part of Exact Sciences
Classification: Likely benign for COL4A1-related condition. Last evaluated: 2025-03-12. Review status: criteria provided, single submitter. Criteria: ACMG Guidelines, 2015. Collection method: clinical testing. Allele origin: germline.
Comment: This variant is classified as likely benign based on ACMG/AMP sequence variant interpretation guidelines (Richards et al. 2015 PMID: 25741868, with internal and published modifications).

Blueprint Genetics
Classification: Likely benign. Last evaluated: 2021-03-24. Review status: criteria provided, single submitter. Criteria: ACMG Guidelines, 2015. Collection method: clinical testing. Allele origin: germline.

NM_001845.6(COL4A1):c.2646C>T (p.Gly882=)

Gene: COL4A1 (collagen type IV alpha 1 chain; minus strand). Cytogenetic location: 13q34.
Variant type: single nucleotide variant.
Coding change: c.2646C>T on transcript NM_001845.6 (MANE Select); coding-DNA position 2646, C replaced by T.
Protein change: p.Gly882=; no amino-acid change (glycine 882 retained).
Molecular consequence: synonymous variant.
Genome position (GRCh38, 1-based): chr13:110,177,912, G>A on the plus strand (C>T on the coding strand, the complement: COL4A1 is on the minus strand). VCF-style: chr13-110177912-G-A. GRCh37 (hg19) VCF-style: chr13-110830259-G-A.
Other names: c.2646C>T (NM_001845.5).
Identifiers: ClinVar variation 2797483 (VCV002797483.5), dbSNP rs759550770, ClinGen allele CA7047523.